The following is an entry in ClinVar:

ClinVar aggregate classification (germline): Uncertain significance. Review status: criteria provided, multiple submitters, no conflicts (2 of 4 stars). 2 submissions from 2 submitters: Uncertain significance (2). Last evaluated 2025-11-27.

Conditions:
Primary ciliary dyskinesia 20. Also called: CILIARY DYSKINESIA, PRIMARY, 20, WITH OR WITHOUT SITUS INVERSUS. Identifiers: Orphanet 244, MedGen C3540844, MONDO:0014030, OMIM 615067.
Primary ciliary dyskinesia. Also called: Ciliary dyskinesia. Identifiers: Orphanet 244, MedGen C0008780, MONDO:0016575, HP:0012265.

gnomAD v4.1: 41 of 1,606,368 alleles (0.0026%); highest among the groups gnomAD compares: East Asian, 0.042%; no homozygotes.

Submissions (2):

Labcorp Genetics (formerly Invitae), Labcorp
Classification: Uncertain significance for Primary ciliary dyskinesia. Last evaluated: 2025-11-27. Review status: criteria provided, single submitter. Criteria: Invitae Variant Classification Sherloc (09022015). Collection method: clinical testing. Allele origin: germline.
Comment: This sequence change falls in intron 12 of the CCDC114 gene. It does not directly change the encoded amino acid sequence of the CCDC114 protein. This variant is present in population databases (rs778146130, gnomAD 0.06%). This variant has not been reported in the literature in individuals affected with CCDC114-related conditions. Algorithms developed to predict the effect of sequence changes on RNA splicing suggest that this variant may disrupt the consensus splice site. In summary, the available evidence is currently insufficient to determine the role of this variant in disease. Therefore, it has been classified as a Variant of Uncertain Significance.

Juno Genomics, Hangzhou Juno Genomics, Inc
Classification: Uncertain significance for Primary ciliary dyskinesia 20. Review status: criteria provided, single submitter. Criteria: ACMG Guidelines, 2015. Collection method: clinical testing. Allele origin: germline.
Comment: Absent from controls (or at extremely low frequency if recessive) in Genome Aggregation Database.;Multiple lines of computational evidence support a deleterious effect on the gene or gene product.

NM_001364171.2(ODAD1):c.1502+7C>T

Gene: ODAD1 (outer dynein arm docking complex subunit 1; minus strand). Cytogenetic location: 19q13.33.
Variant type: single nucleotide variant.
Coding change: c.1502+7C>T on transcript NM_001364171.2 (MANE Select); 7 bases into the intron after coding-DNA position 1502, C replaced by T.
Molecular consequence: intron variant.
Genome position (GRCh38, 1-based): chr19:48,297,993, G>A on the plus strand (C>T on the coding strand, the complement: ODAD1 is on the minus strand). VCF-style: chr19-48297993-G-A. GRCh37 (hg19) VCF-style: chr19-48801250-G-A.
Other names: c.1391+7C>T (NM_144577.4).
Identifiers: ClinVar variation 4716824 (VCV004716824.3).